The following is an entry in ClinVar:

ClinVar aggregate classification (germline): Likely pathogenic (1 of 4 stars; one submission).

Conditions:
SLCO1B3-related disorder. Also called: SLCO1B3-related condition.

Submission:

PreventionGenetics, part of Exact Sciences
Classification: Likely pathogenic for SLCO1B3-related condition. Last evaluated: 2026-08-24. Review status: criteria provided, single submitter. Criteria: ACMG Guidelines, 2015. Collection method: clinical testing. Allele origin: germline.
Comment: The SLCO1B3 c.432_435delTAAT variant is predicted to result in a frameshift and premature protein termination (p.Asn145Lysfs*12). To our knowledge, this variant has not been reported in the literature. This variant is reported in 0.0063% of alleles in individuals of European (Non-Finnish) descent in gnomAD. Frameshift variants in SLCO1B3 are expected to be pathogenic. This variant is interpreted as likely pathogenic.

NM_019844.4(SLCO1B3):c.432_435del (p.Asn145fs)

Genes: SLCO1B3 (solute carrier organic anion transporter family member 1B3; plus strand), SLCO1B3-SLCO1B7 (SLCO1B3-SLCO1B7 readthrough; plus strand). Cytogenetic location: 12p12.2.
Variant type: Microsatellite.
Coding change: c.432_435del on transcript NM_019844.4 (MANE Select); coding-DNA positions 432 to 435, 4 bases deleted (TAAT; older notation c.432_435delTAAT).
Protein change: p.Asn145fs; shifts the reading frame from asparagine 145.
Molecular consequence: frameshift variant.
Genome position (GRCh38, 1-based): chr12:20,861,089-20,861,092, TAAT deleted; deleting any 4 consecutive bases within chr12:20,861,084-20,861,092 gives the same sequence; the c. name uses the placement nearest the transcript's 3' end. VCF-style (leftmost placement, unchanged base first): chr12-20861083-TTTAA-T. GRCh37 (hg19) VCF-style: chr12-21014017-TTTAA-T.
Other names: c.432_435del, p.Asn145fs (NM_001371097.1); c.348_351del, p.Asn117fs (NM_001349920.2); short protein forms N145fs, N117fs.
Identifiers: ClinVar variation 4979561 (VCV004979561.1), dbSNP rs764867994.